The following is an entry in ClinVar:

ClinVar aggregate classification (germline): Conflicting classifications of pathogenicity. Review status: criteria provided, conflicting classifications (1 of 4 stars). 4 submissions from 4 submitters: Likely pathogenic (2); Uncertain significance (2). Last evaluated 2026-07-28.

Conditions:
3-methylcrotonyl-CoA carboxylase 2 deficiency. Also called: 3 alpha methylcrotonyl-CoA carboxylase 2 deficiency; 3 alpha methylcrotonylglycinuria 2; MCC 2 deficiency; Methylcrotonylglycinuria type 2; METHYLCROTONYLGLYCINURIA, TYPE II. Identifiers: Orphanet 6, MedGen C1859499, MONDO:0008862, OMIM 210210.

Allele frequency attached by ClinVar (database versions not stated): gnomAD exomes below 0.00001; ExAC 0.00002.

Submissions (4):

Myriad Genetics, Inc.
Classification: Uncertain significance for 3-methylcrotonyl-CoA carboxylase 2 deficiency. Last evaluated: 2026-07-28. Review status: criteria provided, single submitter. Criteria: Myriad Autosomal Dominant, Autosomal Recessive and X-Linked Classification Criteria (2023). Collection method: clinical testing. Allele origin: unknown.
Comment: NM_022132.4(MCCC2):c.1375C>T(P459S) is a missense variant classified as a variant of uncertain significance in the context of 3-methylcrotonyl-CoA carboxylase deficiency, MCCC2-related. P459S has been observed in a case with relevant disease (PMID: 22030835). Relevant functional assessments of this variant are not available in the literature. P459S has been observed in referenced population frequency databases. In summary, there is insufficient evidence to classify NM_022132.4(MCCC2):c.1375C>T(P459S) as pathogenic or benign. Please note: this variant was assessed in the context of healthy population screening.

Natera, Inc.
Classification: Likely pathogenic for 3-methylcrotonyl-CoA carboxylase 2 deficiency. Last evaluated: 2025-02-04. Review status: criteria provided, single submitter. Criteria: Natera Variant Classification Schema (03/2026). Collection method: clinical testing. Allele origin: germline.
Comment: The c.1375C>T variant in MCCC2 is a missense variant predicted to cause substitution of proline to serine at amino acid 459. This variant is rare in the general population with a frequency below the threshold expected for the associated phenotype(s). This variant has been observed in one or more individuals affected with the associated recessive disease, as either homozygous or compound heterozygous with a second variant (PMID: 22150417). Additionally, this variant has been observed to segregate in affected family members (PMID: 22150417). Computational prediction algorithms indicate this variant is likely to affect gene or protein function. Given the available evidence, this variant is classified as Likely Pathogenic.

Women's Health and Genetics/Laboratory Corporation of America, LabCorp
Classification: Uncertain significance. Last evaluated: 2024-09-13. Review status: criteria provided, single submitter. Criteria: LabCorp Variant Classification Summary - May 2015. Collection method: clinical testing. Allele origin: germline.
Comment: Variant summary: MCCC2 c.1375C>T (p.Pro459Ser) results in a non-conservative amino acid change located in the Acetyl-coenzyme A carboxyltransferase, C-terminal domain (IPR011763) of the encoded protein sequence. Five of five in-silico tools predict a damaging effect of the variant on protein function. Consensus agreement among computation tools predict no significant impact on normal splicing. However, these predictions have yet to be confirmed by functional studies. The variant allele was found at a frequency of 8e-06 in 251342 control chromosomes. c.1375C>T has been reported in the literature in compound heterozygous individuals affected with Methylcrotonyl-CoA Carboxylase Deficiency (Jung_2012, Cho_2012). These data indicate that the variant may be associated with disease. To our knowledge, no experimental evidence demonstrating an impact on protein function has been reported. The following publications have been ascertained in the context of this evaluation (PMID: 22150417, 22030835). ClinVar contains an entry for this variant (Variation ID: 2676476). Based on the evidence outlined above, the variant was classified as VUS-possibly pathogenic.

Baylor Genetics
Classification: Likely pathogenic for 3-methylcrotonyl-CoA carboxylase 2 deficiency. Last evaluated: 2023-10-12. Review status: criteria provided, single submitter. Criteria: ACMG Guidelines, 2015. Collection method: clinical testing. Allele origin: unknown.

Literature cited by the submitters: PubMed 22030835 (cited by Myriad Genetics, Inc. and Women's Health and Genetics/Laboratory Corporation of America, LabCorp); PubMed 22150417 (cited by Natera, Inc. and Women's Health and Genetics/Laboratory Corporation of America, LabCorp).

NM_022132.5(MCCC2):c.1375C>T (p.Pro459Ser)

Gene: MCCC2 (methylcrotonyl-CoA carboxylase subunit 2; plus strand). Cytogenetic location: 5q13.2.
Variant type: single nucleotide variant.
Coding change: c.1375C>T on transcript NM_022132.5 (MANE Select); coding-DNA position 1375, C replaced by T.
Protein change: p.Pro459Ser; replaces proline 459 with serine.
Molecular consequence: missense variant.
Genome position (GRCh38, 1-based): chr5:71,650,070, C>T. VCF-style: chr5-71650070-C-T. GRCh37 (hg19) VCF-style: chr5-70945897-C-T.
Other names: c.1261C>T, p.Pro421Ser (NM_001363147.1); c.1375C>T (NM_022132.4); short protein forms P421S, P459S.
Identifiers: ClinVar variation 2676476 (VCV002676476.4), dbSNP rs754741111, ClinGen allele CA3298137.